The following is an entry in ClinVar:

ClinVar aggregate classification (germline): Uncertain significance (1 of 4 stars; one submission).

Conditions:
Inborn genetic diseases. Identifiers: MedGen C0950123, MeSH D030342.

Allele frequency attached by ClinVar (database versions not stated): gnomAD exomes below 0.00001.
gnomAD v4.1: 2 of 1,614,186 alleles (0.00012%); highest among the groups gnomAD compares: Non-Finnish European, 0.000085%; no homozygotes.

Submission:

Ambry Genetics
Classification: Uncertain significance for Inborn genetic diseases. Last evaluated: 2023-11-19. Review status: criteria provided, single submitter. Criteria: Ambry Variant Classification Scheme 2023. Collection method: clinical testing. Allele origin: germline.
Comment: The p.F679L variant (also known as c.2035T>C), located in coding exon 21 of the ERCC2 gene, results from a T to C substitution at nucleotide position 2035. The phenylalanine at codon 679 is replaced by leucine, an amino acid with highly similar properties. This amino acid position is conserved. In addition, the in silico prediction for this alteration is inconclusive. Since supporting evidence is limited at this time, the clinical significance of this alteration remains unclear.

NM_000400.4(ERCC2):c.2035T>C (p.Phe679Leu)

Gene: ERCC2 (ERCC excision repair 2, TFIIH core complex helicase subunit; minus strand). Cytogenetic location: 19q13.32.
Variant type: single nucleotide variant.
Coding change: c.2035T>C on transcript NM_000400.4 (MANE Select); coding-DNA position 2035, T replaced by C.
Protein change: p.Phe679Leu; replaces phenylalanine 679 with leucine.
Molecular consequence: missense variant.
Genome position (GRCh38, 1-based): chr19:45,352,517, A>G on the plus strand (T>C on the coding strand, the complement: ERCC2 is on the minus strand). VCF-style: chr19-45352517-A-G. GRCh37 (hg19) VCF-style: chr19-45855775-A-G.
Other names: short protein forms F679L.
Identifiers: ClinVar variation 3231671 (VCV003231671.1), dbSNP rs1408935510, ClinGen allele CA406362751.